The following is an entry in ClinVar:

NC_000007.13:g.(?_75932030)_(75933490_?)dup

Gene: HSPB1 (heat shock protein family B (small) member 1; plus strand). Cytogenetic location: 7q11.23.
Variant type: Duplication.
Identifiers: ClinVar variation 2424197 (VCV002424197.3).

ClinVar aggregate classification (germline): Uncertain significance (1 of 4 stars; one submission).

Conditions:
Charcot-Marie-Tooth disease axonal type 2F (CMT2F). Also called: CHARCOT-MARIE-TOOTH DISEASE, NEURONAL, TYPE 2F; Charcot-Marie-Tooth Neuropathy Type 2F. Identifiers: Orphanet 99940, MedGen C1847823, MONDO:0011687, OMIM 606595.

Submission:

Labcorp Genetics (formerly Invitae), Labcorp
Classification: Uncertain significance for Charcot-Marie-Tooth disease axonal type 2F. Last evaluated: 2022-08-22. Review status: criteria provided, single submitter. Criteria: Invitae Variant Classification Sherloc (09022015). Collection method: clinical testing. Allele origin: germline.
Comment: A copy number gain of the genomic region encompassing the full coding sequence of the HSPB1 gene has been identified. The boundaries of this event are unknown as they extend beyond the assayed region for this gene and therefore may encompass additional genes. As the precise location of this event is unknown, it may be in tandem or it may be located elsewhere in the genome. This variant has not been reported in the literature in individuals affected with HSPB1-related conditions. In summary, the available evidence is currently insufficient to determine the role of this variant in disease. Therefore, it has been classified as a Variant of Uncertain Significance.